The following is an entry in ClinVar:

ClinVar aggregate classification (germline): Uncertain significance (1 of 4 stars; one submission).

Allele frequency attached by ClinVar (database versions not stated): gnomAD exomes below 0.00001; ExAC 0.00001.

Submission:

Labcorp Genetics (formerly Invitae), Labcorp
Classification: Uncertain significance. Last evaluated: 2024-09-06. Review status: criteria provided, single submitter. Criteria: Invitae Variant Classification Sherloc (09022015). Collection method: clinical testing. Allele origin: germline.
Comment: This sequence change replaces valine, which is neutral and non-polar, with alanine, which is neutral and non-polar, at codon 231 of the TYMP protein (p.Val231Ala). This variant is present in population databases (rs780762083, gnomAD 0.006%). This variant has not been reported in the literature in individuals affected with TYMP-related conditions. ClinVar contains an entry for this variant (Variation ID: 2130447). Invitae Evidence Modeling of protein sequence and biophysical properties (such as structural, functional, and spatial information, amino acid conservation, physicochemical variation, residue mobility, and thermodynamic stability) has been performed for this missense variant. However, the output from this modeling did not meet the statistical confidence thresholds required to predict the impact of this variant on TYMP protein function. In summary, the available evidence is currently insufficient to determine the role of this variant in disease. Therefore, it has been classified as a Variant of Uncertain Significance.

NM_001953.5(TYMP):c.692T>C (p.Val231Ala)

Gene: TYMP (thymidine phosphorylase; minus strand). Cytogenetic location: 22q13.33.
Variant type: single nucleotide variant.
Coding change: c.692T>C on transcript NM_001953.5 (MANE Select); coding-DNA position 692, T replaced by C.
Protein change: p.Val231Ala; replaces valine 231 with alanine.
Molecular consequence: missense variant.
Genome position (GRCh38, 1-based): chr22:50,527,238, A>G on the plus strand (T>C on the coding strand, the complement: TYMP is on the minus strand). VCF-style: chr22-50527238-A-G. GRCh37 (hg19) VCF-style: chr22-50965667-A-G.
Other names: c.692T>C, p.Val231Ala (NM_001113755.3, NM_001113756.3, NM_001257988.1 and 1 more transcripts); short protein forms V231A.
Identifiers: ClinVar variation 2130447 (VCV002130447.4), dbSNP rs780762083, ClinGen allele CA10321593.